The following is an entry in ClinVar:

ClinVar aggregate classification (germline): Likely benign (1 of 4 stars; one submission).

Allele frequency attached by ClinVar (database versions not stated): 1000 Genomes Project 30x 0.00016; 1000 Genomes Project 0.00020.
gnomAD v4.1: 36 of 1,611,842 alleles (0.0022%); highest among the groups gnomAD compares: African/African-American, 0.0027%; no homozygotes.

Submission:

CeGaT Center for Human Genetics Tuebingen
Classification: Likely benign. Last evaluated: 2022-11-01. Review status: criteria provided, single submitter. Criteria: CeGaT Center For Human Genetics Tuebingen Variant Classification Criteria Version 2. Collection method: clinical testing. Allele origin: germline. Affected: yes. Observed: 1 variant allele.
Comment: SPHK2: BP4, BP7

NM_020126.5(SPHK2):c.60C>T (p.Thr20=)

Gene: SPHK2 (sphingosine kinase 2; plus strand). Cytogenetic location: 19q13.33.
Variant type: single nucleotide variant.
Coding change: c.60C>T on transcript NM_020126.5 (MANE Select); coding-DNA position 60, C replaced by T.
Protein change: p.Thr20=; no amino-acid change (threonine 20 retained).
Molecular consequence: synonymous variant. On other transcripts: 5 prime UTR variant (1), intron variant (2).
Genome position (GRCh38, 1-based): chr19:48,625,911, C>T. VCF-style: chr19-48625911-C-T. GRCh37 (hg19) VCF-style: chr19-49129168-C-T.
Other names: c.60C>T, p.Thr20= (NM_001204159.3); c.-49C>T (NM_001204160.3); c.40-157C>T (NM_001204158.3); c.-107-1781C>T (NM_001243876.2).
Identifiers: ClinVar variation 2650212 (VCV002650212.24), dbSNP rs532584390, ClinGen allele CA309350132.
Genomic context (GRCh38, chr19:48,625,911, plus strand): 5'-GGTCCTGAATTCTCACCCCTTCTCTCCTCCCTTCCCACAGAGGCCAGACCAGGAGCTGAC[C>T]GGGAGCTGGGGCCACGGGCCTAGGAGCACCCTGGTCAGGGCTAAGGCCATGGCCCCGCCC-3'
Protein context (NP_064511.2, residues 10-30): QQDQRPDQEL[Thr20=]GSWGHGPRST